The following is an entry in ClinVar:

ClinVar aggregate classification (germline): Uncertain significance (1 of 4 stars; one submission).

Submission:

GeneDx
Classification: Uncertain significance. Last evaluated: 2023-10-26. Review status: criteria provided, single submitter. Criteria: GeneDx Variant Classification Process June 2021. Collection method: clinical testing. Allele origin: germline. Affected: yes.
Comment: Not observed at significant frequency in large population cohorts (gnomAD); In silico analysis supports that this missense variant has a deleterious effect on protein structure/function; Has not been previously published as pathogenic or benign to our knowledge

NM_001375524.1(TRRAP):c.4280T>C (p.Met1427Thr)

Gene: TRRAP (transformation/transcription domain associated protein; plus strand). Cytogenetic location: 7q22.1.
Variant type: single nucleotide variant.
Coding change: c.4280T>C on transcript NM_001375524.1 (MANE Select); coding-DNA position 4280, T replaced by C.
Protein change: p.Met1427Thr; replaces methionine 1427 with threonine.
Molecular consequence: missense variant.
Genome position (GRCh38, 1-based): chr7:98,937,696, T>C. VCF-style: chr7-98937696-T-C. GRCh37 (hg19) VCF-style: chr7-98535319-T-C.
Other names: c.4280T>C, p.Met1427Thr (NM_001244580.2, NM_003496.4); short protein forms M1427T.
Identifiers: ClinVar variation 3366198 (VCV003366198.1).